The following continues an entry in ClinVar:

NM_001005242.3(PKP2):c.2357+1G>A

Gene: PKP2. ClinVar aggregate classification (germline): Pathogenic. Pathogenic (24).

Submissions 21 to 28 of 28:

Genome Diagnostics Laboratory, University Medical Center Utrecht
Classification: Pathogenic for Arrhythmogenic right ventricular dysplasia 9. Last evaluated: 2014-10-08. Review status: criteria provided, single submitter. Criteria: ACGS Guidelines, 2013. Collection method: clinical testing. Allele origin: germline. Affected: yes. Study: VKGL Data-share Consensus.

Stanford Center for Inherited Cardiovascular Disease, Stanford University
Classification: Pathogenic. Last evaluated: 2014-03-27. Review status: criteria provided, single submitter. Criteria: ACMG Guidelines, 2015. Collection method: provider interpretation. Allele origin: germline.

Imagene.me medical diagnostic laboratory, IMAGENE.ME SA
Classification: Pathogenic for Arrhythmogenic right ventricular dysplasia 9. Review status: criteria provided, single submitter. Criteria: IMAGENE.ME Variant Classification SOP 2022. Collection method: clinical testing. Allele origin: germline.
Comment: Classified according to the IMAGENE.ME variant classification SOP based on the ACMG guidelines as Pathogenic (P): PVS1 (RNA) + PM2_Supporting + PS4

Juno Genomics, Hangzhou Juno Genomics, Inc
Classification: Pathogenic for Arrhythmogenic right ventricular dysplasia 9. Review status: criteria provided, single submitter. Criteria: ACMG Guidelines, 2015. Collection method: clinical testing. Allele origin: germline.
Comment: Absent from controls (or at extremely low frequency if recessive) in Genome Aggregation Database.;Null variant in a gene where loss of function (LOF) is a known mechanism of disease.;The prevalence of the variant in affected individuals is significantly increased compared to the prevalence in controls.

OMIM
Classification: Pathogenic for ARRHYTHMOGENIC RIGHT VENTRICULAR DYSPLASIA, FAMILIAL, 9. Last evaluated: 2004-11-01. Review status: no assertion criteria provided. Collection method: literature only. Allele origin: germline. Not counted in ClinVar's aggregate classification.

Clinical Genetics, Academic Medical Center
Classification: Pathogenic. Review status: no assertion criteria provided. Collection method: clinical testing. Allele origin: germline. Affected: yes. Study: VKGL Data-share Consensus. Not counted in ClinVar's aggregate classification.

Diagnostic Laboratory, Department of Genetics, University Medical Center Groningen
Classification: Pathogenic. Review status: no assertion criteria provided. Collection method: clinical testing. Allele origin: germline. Affected: yes. Study: VKGL Data-share Consensus. Not counted in ClinVar's aggregate classification.

Joint Genome Diagnostic Labs from Nijmegen and Maastricht, Radboudumc and MUMC+
Classification: Pathogenic. Review status: no assertion criteria provided. Collection method: clinical testing. Allele origin: germline. Affected: yes. Study: VKGL Data-share Consensus. Not counted in ClinVar's aggregate classification.

Literature cited by the submitters: PubMed 15489853 (cited by 10 submitters); PubMed 16567567 (cited by 4 submitters); PubMed 17010805 (cited by 9 submitters); PubMed 22214898 (cited by 8 submitters); PubMed 27532257 (cited by Ambry Genetics and AiLife Diagnostics); PubMed 28471438 (cited by Ambry Genetics); PubMed 28588093 (cited by Ambry Genetics); PubMed 28611399 (cited by Ambry Genetics); PubMed 28705875 (cited by Ambry Genetics); PubMed 16199547 (cited by Labcorp Genetics (formerly Invitae), Labcorp); PubMed 17041889 (cited by Labcorp Genetics (formerly Invitae), Labcorp); PubMed 23911551 (cited by Labcorp Genetics (formerly Invitae), Labcorp); PubMed 20031616 (cited by 5 submitters); PubMed 20031617 (cited by 5 submitters); PubMed 21822014 (cited by 7 submitters); PubMed 30619891 (cited by Dasa); PubMed 32916635 (cited by 3 submitters); PubMed 36225810 (cited by 3 submitters); PubMed 38050058 (cited by Victorian Clinical Genetics Services, Murdoch Childrens Research Institute); PubMed 35059364 (cited by Victorian Clinical Genetics Services, Murdoch Childrens Research Institute); PubMed 30562116 (cited by Victorian Clinical Genetics Services, Murdoch Childrens Research Institute); PubMed 23183494 (cited by Victorian Clinical Genetics Services, Murdoch Childrens Research Institute); PubMed 23871674 (cited by All of Us Research Program, National Institutes of Health and Color Diagnostics, LLC DBA Color Health); PubMed 28523642 (cited by All of Us Research Program, National Institutes of Health and Color Diagnostics, LLC DBA Color Health); PubMed 30385303 (cited by AiLife Diagnostics); PubMed 30790397 (cited by AiLife Diagnostics); PubMed 30571190 (cited by AiLife Diagnostics); PubMed 31737537 (cited by AiLife Diagnostics); PubMed 26332594 (cited by AiLife Diagnostics); PubMed 32372669 (cited by AiLife Diagnostics); PubMed 31386562 (cited by AiLife Diagnostics); PubMed 30847666 (cited by AiLife Diagnostics); PubMed 25525159 (cited by AiLife Diagnostics); PubMed 31402444 (cited by AiLife Diagnostics); PubMed 31447099 (cited by AiLife Diagnostics); PubMed 18382419 (cited by Women's Health and Genetics/Laboratory Corporation of America, LabCorp); PubMed 16549640 (cited by Women's Health and Genetics/Laboratory Corporation of America, LabCorp); PubMed 17521752 (cited by Women's Health and Genetics/Laboratory Corporation of America, LabCorp); PubMed 17363426 (cited by Women's Health and Genetics/Laboratory Corporation of America, LabCorp); PubMed 16101641 (cited by Women's Health and Genetics/Laboratory Corporation of America, LabCorp); PubMed 19358943 (cited by 3 submitters); PubMed 20400443 (cited by 3 submitters); PubMed 20857253 (cited by Women's Health and Genetics/Laboratory Corporation of America, LabCorp and Agnes Ginges Centre for Molecular Cardiology, Centenary Institute); PubMed 21606396 (cited by 3 submitters); PubMed 21606390 (cited by 3 submitters); PubMed 19880068 (cited by Agnes Ginges Centre for Molecular Cardiology, Centenary Institute); PubMed 16415378 (cited by Agnes Ginges Centre for Molecular Cardiology, Centenary Institute); PubMed 21636032 (cited by Agnes Ginges Centre for Molecular Cardiology, Centenary Institute); PubMed 23812740 (cited by Agnes Ginges Centre for Molecular Cardiology, Centenary Institute and Laboratory for Molecular Medicine, Mass General Brigham Personalized Medicine); PubMed 20646679 (cited by Agnes Ginges Centre for Molecular Cardiology, Centenary Institute); PubMed 2412583 (cited by Laboratory for Molecular Medicine, Mass General Brigham Personalized Medicine).